The following is an entry in ClinVar:

NM_007118.4(TRIO):c.6966C>T (p.Gly2322=)

Gene: TRIO (trio Rho guanine nucleotide exchange factor; plus strand). Cytogenetic location: 5p15.2.
Variant type: single nucleotide variant.
Coding change: c.6966C>T on transcript NM_007118.4 (MANE Select); coding-DNA position 6966, C replaced by T.
Protein change: p.Gly2322=; no amino-acid change (glycine 2322 retained).
Molecular consequence: synonymous variant. On other transcripts: non-coding transcript variant (1).
Genome position (GRCh38, 1-based): chr5:14,487,594, C>T. VCF-style: chr5-14487594-C-T. GRCh37 (hg19) VCF-style: chr5-14487703-C-T.
Other names: c.6966C>T (NM_007118.3).
Identifiers: ClinVar variation 1196865 (VCV001196865.3), dbSNP rs1034437746, ClinGen allele CA114003724.
Genomic context (GRCh38, chr5:14,487,594, plus strand): 5'-CGGCGGGGGTGGGGGCAGCGGCGGCGGCGGGGCCCCCAGTGGCGGCAGCGGCCACAGTGG[C>T]GGCCCCAGCAGCTGCGGCGGCGCCCCCAGCACGAGCAGGAGCCGGCCCTCCCGGATCCCC-3'
Protein context (NP_009049.2, residues 2312-2332): GAPSGGSGHS[Gly2322=]GPSSCGGAPS

ClinVar aggregate classification (germline): Likely benign. Review status: criteria provided, multiple submitters, no conflicts (2 of 4 stars). 2 submissions from 2 submitters: Likely benign (2). Last evaluated 2026-07-15.

Conditions:
TRIO-related disorder. Also called: TRIO-related condition; TRIO-related disorders.

Allele frequency attached by ClinVar (database versions not stated): TOPMed 0.00005; gnomAD 0.00009 and 0.00010; gnomAD exomes 0.00016.
gnomAD v4.1: 173 of 1,156,498 alleles (0.015%); highest among the groups gnomAD compares: Non-Finnish European, 0.018%; no homozygotes.

Submissions (2):

PreventionGenetics, part of Exact Sciences
Classification: Likely benign for TRIO-related condition. Last evaluated: 2026-07-15. Review status: criteria provided, single submitter. Criteria: ACMG Guidelines, 2015. Collection method: clinical testing. Allele origin: germline.
Comment: This variant is classified as likely benign based on ACMG/AMP sequence variant interpretation guidelines (Richards et al. 2015 PMID: 25741868, with internal and published modifications).

GeneDx
Classification: Likely benign. Last evaluated: 2021-05-21. Review status: criteria provided, single submitter. Criteria: GeneDx Variant Classification Process June 2021. Collection method: clinical testing. Allele origin: germline. Affected: yes.